The following is an entry in ClinVar:

ClinVar aggregate classification (germline): Uncertain significance (1 of 4 stars; one submission).

Allele frequency attached by ClinVar (database versions not stated): gnomAD 0.00001; TOPMed 0.00001; ExAC 0.00002; gnomAD exomes 0.00002; ESP Exome Variant Server 0.00008.

Submission:

Labcorp Genetics (formerly Invitae), Labcorp
Classification: Uncertain significance. Last evaluated: 2022-04-23. Review status: criteria provided, single submitter. Criteria: Invitae Variant Classification Sherloc (09022015). Collection method: clinical testing. Allele origin: germline.
Comment: In summary, the available evidence is currently insufficient to determine the role of this variant in disease. Therefore, it has been classified as a Variant of Uncertain Significance. Algorithms developed to predict the effect of missense changes on protein structure and function (SIFT, PolyPhen-2, Align-GVGD) all suggest that this variant is likely to be disruptive. This variant has not been reported in the literature in individuals affected with PLK4-related conditions. This variant is present in population databases (rs374708135, gnomAD 0.009%). This sequence change replaces arginine, which is basic and polar, with histidine, which is basic and polar, at codon 374 of the PLK4 protein (p.Arg374His).

NM_014264.5(PLK4):c.1121G>A (p.Arg374His)

Gene: PLK4 (polo like kinase 4; plus strand). Cytogenetic location: 4q28.1.
Variant type: single nucleotide variant.
Coding change: c.1121G>A on transcript NM_014264.5 (MANE Select); coding-DNA position 1121, G replaced by A.
Protein change: p.Arg374His; replaces arginine 374 with histidine.
Molecular consequence: missense variant.
Genome position (GRCh38, 1-based): chr4:127,886,491, G>A. VCF-style: chr4-127886491-G-A. GRCh37 (hg19) VCF-style: chr4-128807646-G-A.
Other names: c.1025G>A, p.Arg342His (NM_001190799.2); c.998G>A, p.Arg333His (NM_001190801.2); short protein forms R374H, R333H, R342H.
Identifiers: ClinVar variation 1347923 (VCV001347923.5), dbSNP rs374708135, ClinGen allele CA3076689.